The following is an entry in ClinVar:

NC_000017.10:g.(?_29422322)_(29497021_?)dup

Gene: NF1 (neurofibromin 1; plus strand). Cytogenetic location: 17q11.2.
Variant type: Duplication.
Identifiers: ClinVar variation 457500 (VCV000457500.3).

ClinVar aggregate classification (germline): Uncertain significance (1 of 4 stars; one submission).

Conditions:
Neurofibromatosis, type 1 (NF1). Also called: VON RECKLINGHAUSEN DISEASE; NEUROFIBROMATOSIS, TYPE I, SOMATIC; Peripheral type neurofibromatosis; Neurofibromatosis, type I. Identifiers: Orphanet 636, MedGen C0027831, MONDO:0018975, OMIM 162200. Disease mechanism: loss of function.

Submission:

Labcorp Genetics (formerly Invitae), Labcorp
Classification: Uncertain significance for Neurofibromatosis, type 1. Last evaluated: 2019-03-09. Review status: criteria provided, single submitter. Criteria: Invitae Variant Classification Sherloc (09022015). Collection method: clinical testing. Allele origin: germline.
Comment: This variant results in a copy number gain of the genomic region encompassing exons 1-5 of the NF1 gene. The 5' end of this event is unknown as it extends beyond the assayed region for this gene and therefore may encompass additional genes. The 3' boundary is likely confined to intron 5 of the NF1 gene. This particular duplication has not been reported in the literature in individuals with NF1-related disease. Experimental studies and prediction algorithms are not available for this variant, and the functional significance of this duplication is currently unknown. In summary, the available evidence is currently insufficient to determine the role of this variant in disease. Therefore, it has been classified as a Variant of Uncertain Significance.